The following is an entry in ClinVar:

ClinVar aggregate classification (germline): Uncertain significance (1 of 4 stars; one submission).

Conditions:
Joubert syndrome. Also called: CEREBELLOPARENCHYMAL DISORDER IV; JOUBERT-BOLTSHAUSER SYNDROME; Familial aplasia of the vermis. Identifiers: Orphanet 475, MedGen C5979921, MONDO:0018772.

Allele frequency attached by ClinVar (database versions not stated): gnomAD 0.00001; TOPMed 0.00001.

Submission:

Labcorp Genetics (formerly Invitae), Labcorp
Classification: Uncertain significance for Joubert syndrome. Last evaluated: 2024-05-06. Review status: criteria provided, single submitter. Criteria: Invitae Variant Classification Sherloc (09022015). Collection method: clinical testing. Allele origin: germline.
Comment: This sequence change replaces leucine, which is neutral and non-polar, with phenylalanine, which is neutral and non-polar, at codon 314 of the INPP5E protein (p.Leu314Phe). This variant is present in population databases (no rsID available, gnomAD 0.001%). This variant has not been reported in the literature in individuals affected with INPP5E-related conditions. ClinVar contains an entry for this variant (Variation ID: 1926443). Advanced modeling of protein sequence and biophysical properties (such as structural, functional, and spatial information, amino acid conservation, physicochemical variation, residue mobility, and thermodynamic stability) has been performed at Invitae for this missense variant, however the output from this modeling did not meet the statistical confidence thresholds required to predict the impact of this variant on INPP5E protein function. In summary, the available evidence is currently insufficient to determine the role of this variant in disease. Therefore, it has been classified as a Variant of Uncertain Significance.

NM_019892.6(INPP5E):c.940C>T (p.Leu314Phe)

Gene: INPP5E (inositol polyphosphate-5-phosphatase E; minus strand). Cytogenetic location: 9q34.3.
Variant type: single nucleotide variant.
Coding change: c.940C>T on transcript NM_019892.6 (MANE Select); coding-DNA position 940, C replaced by T.
Protein change: p.Leu314Phe; replaces leucine 314 with phenylalanine.
Molecular consequence: missense variant.
Genome position (GRCh38, 1-based): chr9:136,434,131, G>A on the plus strand (C>T on the coding strand, the complement: INPP5E is on the minus strand). VCF-style: chr9-136434131-G-A. GRCh37 (hg19) VCF-style: chr9-139328583-G-A.
Other names: c.940C>T, p.Leu314Phe (NM_001318502.2); short protein forms L314F.
Identifiers: ClinVar variation 1926443 (VCV001926443.5), dbSNP rs1169433090, ClinGen allele CA375565205.
Genomic context (GRCh38, chr9:136,434,131, plus strand): 5'-ACAGGTCCTGGGCATAGTCGGCCTCGGCTGGGAGCAGGAACTCGTCCAGGCTGGGCGGGA[G>A]CTCCTGGAAGGAGGGAGCATGTGGTGGGCCGGCTCCTCCCGAAACCTGCAGGCGCCTGTG-3'
Protein context (NP_063945.2, residues 304-324): ATWNMQGQKE[Leu314Phe]PPSLDEFLLP